The following is an entry in ClinVar:

ClinVar aggregate classification (germline): Uncertain significance (1 of 4 stars; one submission).

Conditions:
Chédiak-Higashi syndrome (CHS). Also called: Chediak-Higashi Syndrome. Identifiers: Orphanet 167, MedGen C0007965, MONDO:0008963, OMIM 214500.

Allele frequency attached by ClinVar (database versions not stated): ExAC 0.00001; gnomAD 0.00001.
gnomAD v4.1: 5 of 1,613,490 alleles (0.00031%); highest among the groups gnomAD compares: South Asian, 0.0022%; no homozygotes.

Submission:

Labcorp Genetics (formerly Invitae), Labcorp
Classification: Uncertain significance for Chédiak-Higashi syndrome. Last evaluated: 2019-02-10. Review status: criteria provided, single submitter. Criteria: Invitae Variant Classification Sherloc (09022015). Collection method: clinical testing. Allele origin: germline.
Comment: This sequence change replaces proline with alanine at codon 371 of the LYST protein (p.Pro371Ala). The proline residue is moderately conserved and there is a small physicochemical difference between proline and alanine. This variant is present in population databases (rs771833094, ExAC 0.006%). This variant has not been reported in the literature in individuals with LYST-related conditions. Algorithms developed to predict the effect of missense changes on protein structure and function (SIFT, PolyPhen-2, Align-GVGD) all suggest that this variant is likely to be tolerated, but these predictions have not been confirmed by published functional studies and their clinical significance is uncertain. In summary, the available evidence is currently insufficient to determine the role of this variant in disease. Therefore, it has been classified as a Variant of Uncertain Significance.

NM_000081.4(LYST):c.1111C>G (p.Pro371Ala)

Gene: LYST (lysosomal trafficking regulator; minus strand). Cytogenetic location: 1q42.3.
Variant type: single nucleotide variant.
Coding change: c.1111C>G on transcript NM_000081.4 (MANE Select); coding-DNA position 1111, C replaced by G.
Protein change: p.Pro371Ala; replaces proline 371 with alanine.
Molecular consequence: missense variant.
Genome position (GRCh38, 1-based): chr1:235,809,707, G>C on the plus strand (C>G on the coding strand, the complement: LYST is on the minus strand). VCF-style: chr1-235809707-G-C. GRCh37 (hg19) VCF-style: chr1-235973007-G-C.
Other names: c.1111C>G, p.Pro371Ala (NM_001301365.1); short protein forms P371A.
Identifiers: ClinVar variation 835806 (VCV000835806.8), dbSNP rs771833094, ClinGen allele CA1467516.